The following is an entry in ClinVar:

NM_006514.4(SCN10A):c.1639G>A (p.Gly547Ser)

Gene: SCN10A (sodium voltage-gated channel alpha subunit 10; minus strand). Cytogenetic location: 3p22.2.
Variant type: single nucleotide variant.
Coding change: c.1639G>A on transcript NM_006514.4 (MANE Select); coding-DNA position 1639, G replaced by A.
Protein change: p.Gly547Ser; replaces glycine 547 with serine.
Molecular consequence: missense variant. On other transcripts: intron variant (1).
Genome position (GRCh38, 1-based): chr3:38,752,335, C>T on the plus strand (G>A on the coding strand, the complement: SCN10A is on the minus strand). VCF-style: chr3-38752335-C-T. GRCh37 (hg19) VCF-style: chr3-38793826-C-T.
Other names: c.1639G>A, p.Gly547Ser (NM_001293306.2); c.1462-2151G>A (NM_001293307.2); short protein forms G547S.
Identifiers: ClinVar variation 1433160 (VCV001433160.6), dbSNP rs2063756062, ClinGen allele CA352167315.

ClinVar aggregate classification (germline): Uncertain significance (1 of 4 stars; one submission).

Conditions:
Brugada syndrome. Also called: Sudden Unexplained Death Syndrome; Sudden Unexplained Nocturnal Death Syndrome (SUNDS); Sudden unexplained nocturnal death syndrome; Sudden unexpected nocturnal death syndrome. Identifiers: Orphanet 130, MedGen C1142166, MONDO:0015263.

Allele frequency attached by ClinVar (database versions not stated): gnomAD exomes below 0.00001.

Submission:

Labcorp Genetics (formerly Invitae), Labcorp
Classification: Uncertain significance for Brugada syndrome. Last evaluated: 2021-10-15. Review status: criteria provided, single submitter. Criteria: Invitae Variant Classification Sherloc (09022015). Collection method: clinical testing. Allele origin: germline.
Comment: Advanced modeling of protein sequence and biophysical properties (such as structural, functional, and spatial information, amino acid conservation, physicochemical variation, residue mobility, and thermodynamic stability) performed at Invitae indicates that this missense variant is not expected to disrupt SCN10A protein function. This variant has not been reported in the literature in individuals affected with SCN10A-related conditions. This variant is not present in population databases (ExAC no frequency). This sequence change replaces glycine with serine at codon 547 of the SCN10A protein (p.Gly547Ser). The glycine residue is weakly conserved and there is a small physicochemical difference between glycine and serine. In summary, the available evidence is currently insufficient to determine the role of this variant in disease. Therefore, it has been classified as a Variant of Uncertain Significance.